The following is an entry in ClinVar:

ClinVar aggregate classification (germline): Uncertain significance. Review status: criteria provided, multiple submitters, no conflicts (2 of 4 stars). 5 submissions from 5 submitters: Uncertain significance (5). Last evaluated 2025-02-02.

Conditions:
Xeroderma pigmentosum, group F (XPF). Also called: XERODERMA PIGMENTOSUM VI; XP, GROUP F; XERODERMA PIGMENTOSUM, COMPLEMENTATION GROUP F; ERCC4-Related Xeroderma Pigmentosum; XERODERMA PIGMENTOSUM, TYPE F; Xeroderma pigmentosum, type 6. Identifiers: MedGen C0268140, MONDO:0010215, OMIM 278760.
Cockayne syndrome. Identifiers: Orphanet 191, MedGen C0009207, MONDO:0016006.
Fanconi anemia complementation group Q. Identifiers: Orphanet 84, MedGen C3808988, MONDO:0014108, OMIM 615272.
Xeroderma pigmentosum (XP). Identifiers: Orphanet 910, MedGen C0043346, MONDO:0019600.

Allele frequency attached by ClinVar (database versions not stated): ExAC 0.00002; gnomAD exomes 0.00002 and 0.00009; TOPMed 0.00005; ESP Exome Variant Server 0.00008; gnomAD 0.00008 and 0.00009.
gnomAD v4.1: 137 of 1,614,040 alleles (0.0085%); highest among the groups gnomAD compares: Non-Finnish European, 0.0097%; 1 homozygote.

Submissions (5):

Labcorp Genetics (formerly Invitae), Labcorp
Classification: Uncertain significance for Fanconi anemia complementation group Q; Xeroderma pigmentosum, group F; Cockayne syndrome. Last evaluated: 2025-02-02. Review status: criteria provided, single submitter. Criteria: Invitae Variant Classification Sherloc (09022015). Collection method: clinical testing. Allele origin: germline.
Comment: This sequence change replaces serine, which is neutral and polar, with leucine, which is neutral and non-polar, at codon 540 of the ERCC4 protein (p.Ser540Leu). This variant is present in population databases (rs368830992, gnomAD 0.008%). This variant has not been reported in the literature in individuals affected with ERCC4-related conditions. ClinVar contains an entry for this variant (Variation ID: 840996). Invitae Evidence Modeling of protein sequence and biophysical properties (such as structural, functional, and spatial information, amino acid conservation, physicochemical variation, residue mobility, and thermodynamic stability) indicates that this missense variant is not expected to disrupt ERCC4 protein function with a negative predictive value of 80%. In summary, the available evidence is currently insufficient to determine the role of this variant in disease. Therefore, it has been classified as a Variant of Uncertain Significance.

Blueprint Genetics
Classification: Uncertain significance. Last evaluated: 2023-12-05. Review status: criteria provided, single submitter. Criteria: ACMG Guidelines, 2015. Collection method: clinical testing. Allele origin: germline.

GeneDx
Classification: Uncertain significance. Last evaluated: 2023-07-20. Review status: criteria provided, single submitter. Criteria: GeneDx Variant Classification Process June 2021. Collection method: clinical testing. Allele origin: germline. Affected: yes.
Comment: In silico analysis supports that this missense variant does not alter protein structure/function; Has not been previously published as pathogenic or benign to our knowledge

Institute for Clinical Genetics, University Hospital TU Dresden, University Hospital TU Dresden
Classification: Uncertain significance. Last evaluated: 2021-11-03. Review status: criteria provided, single submitter. Criteria: ACMG Guidelines, 2015. Collection method: clinical testing. Allele origin: germline.

Sema4
Classification: Uncertain significance for Xeroderma pigmentosum. Last evaluated: 2021-08-17. Review status: criteria provided, single submitter. Criteria: Sema4 Curation Guidelines. Collection method: curation. Allele origin: germline.
Comment: The ERCC4 c.1619C>T (p.S540L) variant has not been reported in the literature to our knowledge. It was observed in 2/25124 chromosomes of the Finnish subpopulation in the large and broad cohorts of the Genome Aggregation Database (PMID: 32461654). The variant has been reported in ClinVar (Variation ID 840996). Functional studies have not been performed, and in silico predictions of the variant's effect on protein function are inconclusive. The evidence is insufficient to meet ACMG/AMP criteria for classifying the variant as benign or pathogenic. Thus, the clinical significance of this variant is currently uncertain.

NM_005236.3(ERCC4):c.1619C>T (p.Ser540Leu)

Gene: ERCC4 (ERCC excision repair 4, endonuclease catalytic subunit; plus strand). Cytogenetic location: 16p13.12.
Variant type: single nucleotide variant.
Coding change: c.1619C>T on transcript NM_005236.3 (MANE Select); coding-DNA position 1619, C replaced by T.
Protein change: p.Ser540Leu; replaces serine 540 with leucine.
Molecular consequence: missense variant.
Genome position (GRCh38, 1-based): chr16:13,935,551, C>T. VCF-style: chr16-13935551-C-T. GRCh37 (hg19) VCF-style: chr16-14029408-C-T.
Other names: short protein forms S540L.
Identifiers: ClinVar variation 840996 (VCV000840996.14), dbSNP rs368830992, ClinGen allele CA7910503.
Genomic context (GRCh38, chr16:13,935,551, plus strand): 5'-GTAGCCCAGAAAGCTGCCCGGAAGAAATTAAGCATGAAGAATTTGATGTAAATTTGTCAT[C>T]GGATGCTGCTTTCGGAATCCTGAAAGAACCCCTCACTATCATCCATCCGCTTCTGGGTTG-3'
Protein context (NP_005227.1, residues 530-550): KHEEFDVNLS[Ser540Leu]DAAFGILKEP